The following is an entry in ClinVar:

NM_003611.3(OFD1):c.2647C>T (p.Arg883Trp)

Gene: OFD1 (OFD1 centriole and centriolar satellite protein; plus strand). Cytogenetic location: Xp22.2.
Variant type: single nucleotide variant.
Coding change: c.2647C>T on transcript NM_003611.3 (MANE Select); coding-DNA position 2647, C replaced by T.
Protein change: p.Arg883Trp; replaces arginine 883 with tryptophan.
Molecular consequence: missense variant.
Genome position (GRCh38, 1-based): chrX:13,767,174, C>T. VCF-style: chrX-13767174-C-T. GRCh37 (hg19) VCF-style: chrX-13785293-C-T.
Other names: c.2527C>T, p.Arg843Trp (NM_001330209.2); c.2227C>T, p.Arg743Trp (NM_001330210.2); short protein forms R743W, R883W, R843W.
Identifiers: ClinVar variation 2208670 (VCV002208670.6), dbSNP rs149790559, ClinGen allele CA10352059.

ClinVar aggregate classification (germline): Conflicting classifications of pathogenicity. Review status: criteria provided, conflicting classifications (1 of 4 stars). 3 submissions from 3 submitters: Uncertain significance (2); Likely benign (1). Last evaluated 2025-09-01.

Conditions:
Simpson-Golabi-Behmel syndrome type 2. Identifiers: Orphanet 79022, MedGen C1846175, MONDO:0010265, OMIM 300209.
Joubert syndrome 10 (JBTS10). Identifiers: Orphanet 2754, MedGen C2749019, MONDO:0010431, OMIM 300804.
Orofaciodigital syndrome I (OFD1). Also called: OFDS I; Papillon-Leage and Psaume Syndrome; Oral-Facial-Digital Syndrome Type I. Identifiers: Orphanet 2750, MedGen C1510460, MONDO:0010702, OMIM 311200.
Retinitis pigmentosa 23 (RP23). Identifiers: Orphanet 791, MedGen C1419610, MONDO:0010320, OMIM 300424.
Joubert syndrome. Also called: JOUBERT-BOLTSHAUSER SYNDROME; Familial aplasia of the vermis. Identifiers: Orphanet 475, MedGen C5979921, MONDO:0018772.
Primary ciliary dyskinesia. Also called: Ciliary dyskinesia. Identifiers: Orphanet 244, MedGen C0008780, MONDO:0016575, HP:0012265.

Allele frequency attached by ClinVar (database versions not stated): gnomAD exomes 0.00001; ExAC 0.00002; gnomAD 0.00006; TOPMed 0.00006; ESP Exome Variant Server 0.00019.
gnomAD v4.1: 15 of 1,206,981 alleles (0.0012%); highest among the groups gnomAD compares: African/African-American, 0.019%; no homozygotes.

Submissions (3):

Labcorp Genetics (formerly Invitae), Labcorp
Classification: Uncertain significance for Orofaciodigital syndrome I; Joubert syndrome. Last evaluated: 2025-09-01. Review status: criteria provided, single submitter. Criteria: Invitae Variant Classification Sherloc (09022015). Collection method: clinical testing. Allele origin: germline.
Comment: This sequence change replaces arginine, which is basic and polar, with tryptophan, which is neutral and slightly polar, at codon 883 of the OFD1 protein (p.Arg883Trp). This variant is present in population databases (rs149790559, gnomAD 0.03%). This variant has not been reported in the literature in individuals affected with OFD1-related conditions. ClinVar contains an entry for this variant (Variation ID: 2208670). Invitae Evidence Modeling of protein sequence and biophysical properties (such as structural, functional, and spatial information, amino acid conservation, physicochemical variation, residue mobility, and thermodynamic stability) indicates that this missense variant is not expected to disrupt OFD1 protein function with a negative predictive value of 80%. In summary, the available evidence is currently insufficient to determine the role of this variant in disease. Therefore, it has been classified as a Variant of Uncertain Significance.

Fulgent Genetics
Classification: Uncertain significance for Simpson-Golabi-Behmel syndrome type 2; Retinitis pigmentosa 23; Joubert syndrome 10; Orofaciodigital syndrome I. Last evaluated: 2024-02-24. Review status: criteria provided, single submitter. Criteria: ACMG Guidelines, 2015. Collection method: clinical testing. Allele origin: germline.

Ambry Genetics
Classification: Likely benign for Primary ciliary dyskinesia. Last evaluated: 2021-09-17. Review status: criteria provided, single submitter. Criteria: Ambry Variant Classification Scheme 2023. Collection method: clinical testing. Allele origin: germline.